The following is an entry in ClinVar:

ClinVar aggregate classification (germline): Uncertain significance (1 of 4 stars; one submission).

Submission:

Labcorp Genetics (formerly Invitae), Labcorp
Classification: Uncertain significance. Last evaluated: 2025-01-27. Review status: criteria provided, single submitter. Criteria: Invitae Variant Classification Sherloc (09022015). Collection method: clinical testing. Allele origin: germline.
Comment: This sequence change affects an acceptor splice site in intron 5 of the IFT57 gene. It is expected to disrupt RNA splicing. Variants that disrupt the donor or acceptor splice site typically lead to a loss of protein function (PMID: 16199547), however the current clinical and genetic evidence is not sufficient to establish whether loss-of-function variants in IFT57 cause disease. This variant is not present in population databases (gnomAD no frequency). This variant has not been reported in the literature in individuals affected with IFT57-related conditions. ClinVar contains an entry for this variant (Variation ID: 1496110). Algorithms developed to predict the effect of sequence changes on RNA splicing suggest that this variant may disrupt the consensus splice site. In summary, the available evidence is currently insufficient to determine the role of this variant in disease. Therefore, it has been classified as a Variant of Uncertain Significance.

Literature cited by the submitters: PubMed 16199547.

NM_018010.4(IFT57):c.655-1G>A

Gene: IFT57 (intraflagellar transport 57; minus strand). Cytogenetic location: 3q13.12.
Variant type: single nucleotide variant.
Coding change: c.655-1G>A on transcript NM_018010.4 (MANE Select); the canonical splice acceptor site of the intron before coding-DNA position 655, G replaced by A.
Molecular consequence: splice acceptor variant.
Genome position (GRCh38, 1-based): chr3:108,191,644, C>T on the plus strand (G>A on the coding strand, the complement: IFT57 is on the minus strand). VCF-style: chr3-108191644-C-T. GRCh37 (hg19) VCF-style: chr3-107910491-C-T.
Identifiers: ClinVar variation 1496110 (VCV001496110.6), dbSNP rs867145435, ClinGen allele CA353906707.